The following is an entry in ClinVar:

ClinVar aggregate classification (germline): Uncertain significance (1 of 4 stars; one submission).

Conditions:
Renal carnitine transport defect (CDSP). Also called: Systemic primary carnitine deficiency disease; CARNITINE DEFICIENCY, SYSTEMIC, DUE TO DEFECT IN RENAL REABSORPTION OF CARNITINE; CARNITINE TRANSPORTER, PLASMA-MEMBRANE, DEFICIENCY OF; CARNITINE UPTAKE DEFECT; Systemic primary carnitine deficiency; Carnitine transporter deficiency. Identifiers: Orphanet 158, MedGen C0342788, MONDO:0008919, OMIM 212140.

Submission:

Labcorp Genetics (formerly Invitae), Labcorp
Classification: Uncertain significance for Renal carnitine transport defect. Last evaluated: 2022-08-20. Review status: criteria provided, single submitter. Criteria: Invitae Variant Classification Sherloc (09022015). Collection method: clinical testing. Allele origin: germline.
Comment: This variant has not been reported in the literature in individuals affected with SLC22A5-related conditions. Advanced modeling of protein sequence and biophysical properties (such as structural, functional, and spatial information, amino acid conservation, physicochemical variation, residue mobility, and thermodynamic stability) performed at Invitae indicates that this missense variant is not expected to disrupt SLC22A5 protein function. In summary, the available evidence is currently insufficient to determine the role of this variant in disease. Therefore, it has been classified as a Variant of Uncertain Significance. This sequence change replaces valine, which is neutral and non-polar, with alanine, which is neutral and non-polar, at codon 413 of the SLC22A5 protein (p.Val413Ala). This variant is not present in population databases (gnomAD no frequency).

NM_003060.4(SLC22A5):c.1238T>C (p.Val413Ala)

Gene: SLC22A5 (solute carrier family 22 member 5; plus strand). Cytogenetic location: 5q31.1.
Variant type: single nucleotide variant.
Coding change: c.1238T>C on transcript NM_003060.4 (MANE Select); coding-DNA position 1238, T replaced by C.
Protein change: p.Val413Ala; replaces valine 413 with alanine.
Molecular consequence: missense variant.
Genome position (GRCh38, 1-based): chr5:132,390,875, T>C. VCF-style: chr5-132390875-T-C. GRCh37 (hg19) VCF-style: chr5-131726567-T-C.
Other names: c.1310T>C, p.Val437Ala (NM_001308122.2); short protein forms V413A, V437A.
Identifiers: ClinVar variation 1717034 (VCV001717034.5), dbSNP rs1224278173, ClinGen allele CA360807809.